The following is an entry in ClinVar:

NM_006031.6(PCNT):c.3902A>G (p.Glu1301Gly)

Gene: PCNT (pericentrin; plus strand). Cytogenetic location: 21q22.3.
Variant type: single nucleotide variant.
Coding change: c.3902A>G on transcript NM_006031.6 (MANE Select); coding-DNA position 3902, A replaced by G.
Protein change: p.Glu1301Gly; replaces glutamic acid 1301 with glycine.
Molecular consequence: missense variant.
Genome position (GRCh38, 1-based): chr21:46,390,731, A>G. VCF-style: chr21-46390731-A-G. GRCh37 (hg19) VCF-style: chr21-47810646-A-G.
Other names: c.3548A>G, p.Glu1183Gly (NM_001315529.2); short protein forms E1183G, E1301G.
Identifiers: ClinVar variation 2636520 (VCV002636520.4), dbSNP rs373396073, ClinGen allele CA322030803.
Genomic context (GRCh38, chr21:46,390,731, plus strand): 5'-TGGAAGAAGCACGCCAAATTCATTCTCGTTTTGAAAAAGAATTTAGTTTTAAGAATGAGG[A>G]GACAGCACAGGTTGTCAGGAAGCACCAGGAGCTGCTGGAGTGTTTGAAGGAGGAGAGCGC-3'
Protein context (NP_006022.3, residues 1291-1311): FEKEFSFKNE[Glu1301Gly]TAQVVRKHQE

ClinVar aggregate classification (germline): Uncertain significance (1 of 4 stars; one submission).

Conditions:
PCNT-related disorder. Also called: PCNT-related condition.

Allele frequency attached by ClinVar (database versions not stated): TOPMed 0.00001; gnomAD exomes 0.00003; ESP Exome Variant Server 0.00008.
gnomAD v4.1: 42 of 1,613,844 alleles (0.0026%); highest among the groups gnomAD compares: Non-Finnish European, 0.0036%; no homozygotes.

Submission:

PreventionGenetics, part of Exact Sciences
Classification: Uncertain significance for PCNT-related condition. Last evaluated: 2026-07-09. Review status: criteria provided, single submitter. Criteria: ACMG Guidelines, 2015. Collection method: clinical testing. Allele origin: germline.
Comment: The PCNT c.3902A>G variant is predicted to result in the amino acid substitution p.Glu1301Gly. To our knowledge, this variant has not been reported in the literature or in a large population database (gnomAD), indicating this variant is rare. At this time, the clinical significance of this variant is uncertain due to the absence of conclusive functional and genetic evidence.